The following is an entry in ClinVar:

ClinVar aggregate classification (germline): Benign/Likely benign. Review status: criteria provided, multiple submitters, no conflicts (2 of 4 stars). 3 submissions from 3 submitters: Benign (1); Likely benign (2). Last evaluated 2024-04-09.

Conditions:
Hereditary cancer-predisposing syndrome. Also called: Neoplastic Syndromes, Hereditary; Tumor predisposition; Hereditary Cancer Syndrome; Hereditary neoplastic syndrome. Identifiers: Orphanet 140162, MedGen C0027672, MeSH D009386, MONDO:0015356.
Familial adenomatous polyposis 1 (FAP1). Also called: FAMILIAL ADENOMATOUS POLYPOSIS 1, ATTENUATED; POLYPOSIS, ADENOMATOUS INTESTINAL. Identifiers: MedGen C2713442, MONDO:0021056, OMIM 175100. Disease mechanism: loss of function.

Allele frequency attached by ClinVar (database versions not stated): TOPMed below 0.00001.

Submissions (3):

Myriad Genetics, Inc.
Classification: Benign for Familial adenomatous polyposis 1. Last evaluated: 2024-04-09. Review status: criteria provided, single submitter. Criteria: Myriad Autosomal Dominant, Autosomal Recessive and X-Linked Classification Criteria (2023). Collection method: clinical testing. Allele origin: unknown.
Comment: This variant is considered benign. This variant is a silent/synonymous amino acid change and it is not expected to impact splicing.

Labcorp Genetics (formerly Invitae), Labcorp
Classification: Likely benign for Familial adenomatous polyposis 1. Last evaluated: 2022-11-10. Review status: criteria provided, single submitter. Criteria: Invitae Variant Classification Sherloc (09022015). Collection method: clinical testing. Allele origin: germline.

Ambry Genetics
Classification: Likely benign for Hereditary cancer-predisposing syndrome. Last evaluated: 2021-04-01. Review status: criteria provided, single submitter. Criteria: Ambry Variant Classification Scheme 2023. Collection method: clinical testing. Allele origin: germline.

NM_000038.6(APC):c.7434G>A (p.Gln2478=)

Gene: APC (APC regulator of Wnt signaling pathway; plus strand). Cytogenetic location: 5q22.2.
Variant type: single nucleotide variant.
Coding change: c.7434G>A on transcript NM_000038.6 (MANE Select); coding-DNA position 7434, G replaced by A.
Protein change: p.Gln2478=; no amino-acid change (glutamine 2478 retained).
Molecular consequence: synonymous variant. On other transcripts: non-coding transcript variant (2).
Genome position (GRCh38, 1-based): chr5:112,843,028, G>A. VCF-style: chr5-112843028-G-A. GRCh37 (hg19) VCF-style: chr5-112178725-G-A.
Other names: c.7434G>A, p.Gln2478= (NM_001127510.3, NM_001354895.2, NM_001407450.1); c.7380G>A, p.Gln2460= (NM_001127511.3); c.7488G>A, p.Gln2496= (NM_001354896.2, NM_001407447.1, NM_001407448.1 and 1 more transcripts); c.7464G>A, p.Gln2488= (NM_001354897.2); c.7359G>A, p.Gln2453= (NM_001354898.2); c.7350G>A, p.Gln2450= (NM_001354899.2); c.7311G>A, p.Gln2437= (NM_001354900.2); c.7257G>A, p.Gln2419= (NM_001354901.2, NM_001407453.1); and 11 more.
Identifiers: ClinVar variation 1758897 (VCV001758897.6), dbSNP rs1766476194, ClinGen allele CA446210656.
Genomic context (GRCh38, chr5:112,843,028, plus strand): 5'-ATCTGCTTCATTTGAATCTCTTTCTCCATCATCTAGACCAGCTTCTCCCACTAGGTCCCA[G>A]GCACAAACTCCAGTTTTAAGTCCTTCCCTTCCTGATATGTCTCTATCCACACATTCGTCT-3'
Protein context (NP_000029.2, residues 2468-2488): SSRPASPTRS[Gln2478=]AQTPVLSPSL